The following is an entry in ClinVar:

ClinVar aggregate classification (germline): Uncertain significance (1 of 4 stars; one submission).

Allele frequency attached by ClinVar (database versions not stated): gnomAD exomes below 0.00001; gnomAD 0.00001; TOPMed 0.00001.

Submission:

Labcorp Genetics (formerly Invitae), Labcorp
Classification: Uncertain significance. Last evaluated: 2022-08-21. Review status: criteria provided, single submitter. Criteria: Invitae Variant Classification Sherloc (09022015). Collection method: clinical testing. Allele origin: germline.
Comment: In summary, the available evidence is currently insufficient to determine the role of this variant in disease. Therefore, it has been classified as a Variant of Uncertain Significance. Algorithms developed to predict the effect of sequence changes on RNA splicing suggest that this variant may disrupt the consensus splice site. This variant has not been reported in the literature in individuals affected with SIAE-related conditions. This variant is present in population databases (no rsID available, gnomAD 0.007%). This sequence change affects a splice site in intron 4 of the SIAE gene. It is expected to disrupt RNA splicing. Variants that disrupt the donor or acceptor splice site typically lead to a loss of protein function (PMID: 16199547), however the current clinical and genetic evidence is not sufficient to establish whether loss-of-function variants in SIAE cause disease.

Literature cited by the submitters: PubMed 16199547.

NM_170601.5(SIAE):c.544+1_544+2insC

Gene: SIAE (sialic acid acetylesterase; minus strand). Cytogenetic location: 11q24.2.
Variant type: Insertion.
Coding change: c.544+1_544+2insC on transcript NM_170601.5 (MANE Select); the canonical splice donor site of the intron after coding-DNA position 544, C inserted.
Molecular consequence: splice donor variant.
Genome position: GRCh38 VCF-style: chr11-124654653-A-AG. GRCh37 (hg19) VCF-style: chr11-124524549-A-AG.
Other names: c.439+1_439+2insC (NM_001199922.2).
Identifiers: ClinVar variation 1964724 (VCV001964724.5), dbSNP rs1198394457, ClinGen allele CA602306882.